The following is an entry in ClinVar:

ClinVar aggregate classification (germline): Uncertain significance (1 of 4 stars; one submission).

Submission:

Ambry Genetics
Classification: Uncertain significance. Last evaluated: 2024-06-19. Review status: criteria provided, single submitter. Criteria: Ambry Variant Classification Scheme 2023. Collection method: clinical testing. Allele origin: germline.
Comment: The p.G2166D variant (also known as c.6497G>A), located in coding exon 12 of the ALPK2 gene, results from a G to A substitution at nucleotide position 6497. The glycine at codon 2166 is replaced by aspartic acid, an amino acid with similar properties. This amino acid position is conserved. In addition, this alteration is predicted to be tolerated by in silico analysis. Based on the available evidence, the clinical significance of this variant remains unclear.

NM_052947.4(ALPK2):c.6497G>A (p.Gly2166Asp)

Gene: ALPK2 (alpha kinase 2; minus strand). Cytogenetic location: 18q21.31.
Variant type: single nucleotide variant.
Coding change: c.6497G>A on transcript NM_052947.4 (MANE Select); coding-DNA position 6497, G replaced by A.
Protein change: p.Gly2166Asp; replaces glycine 2166 with aspartic acid.
Molecular consequence: missense variant.
Genome position (GRCh38, 1-based): chr18:58,481,839, C>T on the plus strand (G>A on the coding strand, the complement: ALPK2 is on the minus strand). VCF-style: chr18-58481839-C-T. GRCh37 (hg19) VCF-style: chr18-56149071-C-T.
Other names: short protein forms G2166D.
Identifiers: ClinVar variation 3288386 (VCV003288386.1).